The following is an entry in ClinVar:

NM_006514.4(SCN10A):c.3956C>G (p.Ser1319Cys)

Gene: SCN10A (sodium voltage-gated channel alpha subunit 10; minus strand). Cytogenetic location: 3p22.2.
Variant type: single nucleotide variant.
Coding change: c.3956C>G on transcript NM_006514.4 (MANE Select); coding-DNA position 3956, C replaced by G.
Protein change: p.Ser1319Cys; replaces serine 1319 with cysteine.
Molecular consequence: missense variant.
Genome position (GRCh38, 1-based): chr3:38,712,294, G>C on the plus strand (C>G on the coding strand, the complement: SCN10A is on the minus strand). VCF-style: chr3-38712294-G-C. GRCh37 (hg19) VCF-style: chr3-38753785-G-C.
Other names: c.3956C>G (NM_006514.2); c.3953C>G, p.Ser1318Cys (NM_001293306.2); c.3662C>G, p.Ser1221Cys (NM_001293307.2); short protein forms S1221C, S1318C, S1319C.
Identifiers: ClinVar variation 4753554 (VCV004753554.2).

ClinVar aggregate classification (germline): Uncertain significance. Review status: criteria provided, multiple submitters, no conflicts (2 of 4 stars). 2 submissions from 2 submitters: Uncertain significance (2). Last evaluated 2025-12-30.

Conditions:
Brugada syndrome. Also called: Sudden unexplained nocturnal death syndrome; Sudden unexpected nocturnal death syndrome; Sudden Unexplained Death Syndrome; Sudden Unexplained Nocturnal Death Syndrome (SUNDS). Identifiers: Orphanet 130, MedGen C1142166, MONDO:0015263.
Cardiovascular phenotype. Identifiers: MedGen CN230736.

gnomAD v4.1: 5 of 1,614,062 alleles (0.00031%); highest among the groups gnomAD compares: Admixed American, 0.0067%; no homozygotes.

Submissions (2):

Ambry Genetics
Classification: Uncertain significance for Cardiovascular phenotype. Last evaluated: 2025-12-30. Review status: criteria provided, single submitter. Criteria: Ambry Variant Classification Scheme 2023. Collection method: clinical testing. Allele origin: germline.
Comment: The p.S1319C variant (also known as c.3956C>G), located in coding exon 22 of the SCN10A gene, results from a C to G substitution at nucleotide position 3956. The serine at codon 1319 is replaced by cysteine, an amino acid with dissimilar properties. This amino acid position is not well conserved in available vertebrate species. In addition, the in silico prediction for this alteration is inconclusive. The evidence for this gene-disease relationship is limited; therefore, the clinical significance of this alteration is unclear.

Labcorp Genetics (formerly Invitae), Labcorp
Classification: Uncertain significance for Brugada syndrome. Last evaluated: 2025-09-23. Review status: criteria provided, single submitter. Criteria: Invitae Variant Classification Sherloc (09022015). Collection method: clinical testing. Allele origin: germline.
Comment: This sequence change replaces serine, which is neutral and polar, with cysteine, which is neutral and slightly polar, at codon 1319 of the SCN10A protein (p.Ser1319Cys). This variant is present in population databases (rs773281939, gnomAD 0.006%). This variant has not been reported in the literature in individuals affected with SCN10A-related conditions. Invitae Evidence Modeling of protein sequence and biophysical properties (such as structural, functional, and spatial information, amino acid conservation, physicochemical variation, residue mobility, and thermodynamic stability) indicates that this missense variant is not expected to disrupt SCN10A protein function with a negative predictive value of 80%. In summary, the available evidence is currently insufficient to determine the role of this variant in disease. Therefore, it has been classified as a Variant of Uncertain Significance.